The following is an entry in ClinVar:

NM_032237.5(POMK):c.926T>C (p.Ile309Thr)

Gene: POMK (protein O-mannose kinase; plus strand). Cytogenetic location: 8p11.21.
Variant type: single nucleotide variant.
Coding change: c.926T>C on transcript NM_032237.5 (MANE Select); coding-DNA position 926, T replaced by C.
Protein change: p.Ile309Thr; replaces isoleucine 309 with threonine.
Molecular consequence: missense variant.
Genome position (GRCh38, 1-based): chr8:43,122,750, T>C. VCF-style: chr8-43122750-T-C. GRCh37 (hg19) VCF-style: chr8-42977893-T-C.
Other names: c.926T>C, p.Ile309Thr (NM_001277971.2); short protein forms I309T.
Identifiers: ClinVar variation 969132 (VCV000969132.1), dbSNP rs750736847, ClinGen allele CA4736379.

ClinVar aggregate classification (germline): Uncertain significance (1 of 4 stars; one submission).

Conditions:
Limb-girdle muscular dystrophy due to POMK deficiency. Also called: MUSCULAR DYSTROPHY-DYSTROGLYCANOPATHY, LIMB-GIRDLE, POMK-RELATED; Muscular dystrophy-dystroglycanopathy (limb-girdle), type c, 12. Identifiers: Orphanet 445110, MedGen C4015184, MONDO:0014489, OMIM 616094.
Muscular dystrophy-dystroglycanopathy (congenital with brain and eye anomalies), type a, 12 (MDDGA12). Also called: WALKER-WARBURG SYNDROME OR MUSCLE-EYE-BRAIN DISEASE, POMK-RELATED. Identifiers: Orphanet 899, MedGen C3808964, MONDO:0014101, OMIM 615249.

Allele frequency attached by ClinVar (database versions not stated): ExAC 0.00001; gnomAD 0.00001; TOPMed 0.00001; gnomAD exomes 0.00003.
gnomAD v4.1: 13 of 1,614,086 alleles (0.00081%); highest among the groups gnomAD compares: East Asian, 0.024%; no homozygotes.

Submission:

Labcorp Genetics (formerly Invitae), Labcorp
Classification: Uncertain significance for Muscular dystrophy-dystroglycanopathy (congenital with brain and eye anomalies), type a, 12; Muscular dystrophy-dystroglycanopathy (limb-girdle), type c, 12. Last evaluated: 2019-10-31. Review status: criteria provided, single submitter. Criteria: Invitae Variant Classification Sherloc (09022015). Collection method: clinical testing. Allele origin: germline.
Comment: This sequence change replaces isoleucine with threonine at codon 309 of the POMK protein (p.Ile309Thr). The isoleucine residue is highly conserved and there is a moderate physicochemical difference between isoleucine and threonine. This variant is present in population databases (rs750736847, ExAC 0.01%). This variant has not been reported in the literature in individuals with POMK-related conditions. Algorithms developed to predict the effect of missense changes on protein structure and function (SIFT, PolyPhen-2, Align-GVGD) all suggest that this variant is likely to be disruptive, but these predictions have not been confirmed by published functional studies and their clinical significance is uncertain. In summary, the available evidence is currently insufficient to determine the role of this variant in disease. Therefore, it has been classified as a Variant of Uncertain Significance.